The following is an entry in ClinVar:

ClinVar aggregate classification (germline): Likely benign. Review status: criteria provided, single submitter (1 of 4 stars). 2 submissions from 2 submitters: Likely benign (1). 1 of the submissions does not count toward it. Last evaluated 2024-10-31.

Conditions:
MYOCD-related condition.

gnomAD v4.1: 297 of 1,612,010 alleles (0.018%); highest among the groups gnomAD compares: African/African-American, 0.33%; no homozygotes.

Submissions (2):

Blueprint Genetics
Classification: Likely benign. Last evaluated: 2024-10-31. Review status: criteria provided, single submitter. Criteria: ACMG Guidelines, 2015. Collection method: clinical testing. Allele origin: germline.

PreventionGenetics, part of Exact Sciences
Classification: Likely benign for MYOCD-related condition. Last evaluated: 2024-08-28. Review status: no assertion criteria provided. Collection method: clinical testing. Allele origin: germline. Not counted in ClinVar's aggregate classification.
Comment: This variant is classified as likely benign based on ACMG/AMP sequence variant interpretation guidelines (Richards et al. 2015 PMID: 25741868, with internal and published modifications).

NM_001146312.3(MYOCD):c.1146G>A (p.Gln382=)

Gene: MYOCD (myocardin; plus strand). Cytogenetic location: 17p12.
Variant type: single nucleotide variant.
Coding change: c.1146G>A on transcript NM_001146312.3 (MANE Select); coding-DNA position 1146, G replaced by A.
Protein change: p.Gln382=; no amino-acid change (glutamine 382 retained).
Molecular consequence: synonymous variant.
Genome position (GRCh38, 1-based): chr17:12,752,434, G>A. VCF-style: chr17-12752434-G-A. GRCh37 (hg19) VCF-style: chr17-12655751-G-A.
Other names: c.909G>A, p.Gln303= (NM_001378306.1); c.1146G>A, p.Gln382= (NM_153604.4).
Identifiers: ClinVar variation 3350448 (VCV003350448.2).